The following is an entry in ClinVar:

ClinVar aggregate classification (germline): Pathogenic (1 of 4 stars; one submission).

Submission:

GeneDx
Classification: Pathogenic. Last evaluated: 2024-08-09. Review status: criteria provided, single submitter. Criteria: GeneDx Variant Classification Process June 2021. Collection method: clinical testing. Allele origin: germline. Affected: yes.
Comment: Nonsense variant predicted to result in protein truncation or nonsense mediated decay in a gene for which loss-of-function is a known mechanism of disease; Not observed at significant frequency in large population cohorts (gnomAD); Has not been previously published as pathogenic or benign to our knowledge

NM_018489.3(ASH1L):c.1456G>T (p.Glu486Ter)

Gene: ASH1L (ASH1 like histone lysine methyltransferase; minus strand). Cytogenetic location: 1q22.
Variant type: single nucleotide variant.
Coding change: c.1456G>T on transcript NM_018489.3 (MANE Select); coding-DNA position 1456, G replaced by T.
Protein change: p.Glu486Ter; replaces glutamic acid 486 with a stop codon.
Molecular consequence: nonsense.
Genome position (GRCh38, 1-based): chr1:155,481,414, C>A on the plus strand (G>T on the coding strand, the complement: ASH1L is on the minus strand). VCF-style: chr1-155481414-C-A. GRCh37 (hg19) VCF-style: chr1-155451205-C-A.
Other names: c.1456G>T, p.Glu486Ter (NM_001366177.2); short protein forms E486*.
Identifiers: ClinVar variation 3602971 (VCV003602971.1).